The following is an entry in ClinVar:

ClinVar aggregate classification (germline): Uncertain significance (1 of 4 stars; one submission).

Conditions:
Inborn genetic diseases. Identifiers: MedGen C0950123, MeSH D030342.

gnomAD v4.1: 2 of 1,612,794 alleles (0.00012%); highest among the groups gnomAD compares: East Asian, 0.0022%; no homozygotes.

Submission:

Ambry Genetics
Classification: Uncertain significance for Inborn genetic diseases. Last evaluated: 2026-04-06. Review status: criteria provided, single submitter. Criteria: Ambry Variant Classification Scheme 2023. Collection method: clinical testing. Allele origin: germline.
Comment: The p.I78V variant (also known as c.232A>G), located in coding exon 4 of the ASXL1 gene, results from an A to G substitution at nucleotide position 232. The isoleucine at codon 78 is replaced by valine, an amino acid with highly similar properties. This amino acid position is conserved. In addition, this alteration is predicted to be tolerated by in silico analysis. Based on the available evidence, the clinical significance of this variant remains unclear.

NM_015338.6(ASXL1):c.232A>G (p.Ile78Val)

Gene: ASXL1 (ASXL transcriptional regulator 1; plus strand). Cytogenetic location: 20q11.21.
Variant type: single nucleotide variant.
Coding change: c.232A>G on transcript NM_015338.6 (MANE Select); coding-DNA position 232, A replaced by G.
Protein change: p.Ile78Val; replaces isoleucine 78 with valine.
Molecular consequence: missense variant.
Genome position (GRCh38, 1-based): chr20:32,369,103, A>G. VCF-style: chr20-32369103-A-G. GRCh37 (hg19) VCF-style: chr20-30956906-A-G.
Other names: c.232A>G, p.Ile78Val (NM_001164603.1); c.202A>G, p.Ile68Val (NM_001363734.1); short protein forms I68V, I78V.
Identifiers: ClinVar variation 4864188 (VCV004864188.1).
Genomic context (GRCh38, chr20:32,369,103, plus strand): 5'-GCTATGCTACATTCCAATTCAAGAGGAGGAGAGGGGTTGTTTTATAAACTGCCTGGCCGA[A>G]TCAGCCTTTTCACGCTCAAGGTAAGTGATATGAACTCTCTTTTGGTGCAGTGATTCTTGG-3'
Protein context (NP_056153.2, residues 68-88): EGLFYKLPGR[Ile78Val]SLFTLKKDAL